The following is an entry in ClinVar:

ClinVar aggregate classification (germline): Likely pathogenic (1 of 4 stars; one submission).

Conditions:
Fanconi anemia (FA). Also called: Fanconi's anemia. Identifiers: Orphanet 84, MedGen C0015625, MeSH D005199, MONDO:0019391.

Submission:

Labcorp Genetics (formerly Invitae), Labcorp
Classification: Likely pathogenic for Fanconi anemia. Last evaluated: 2020-02-01. Review status: criteria provided, single submitter. Criteria: Invitae Variant Classification Sherloc (09022015). Collection method: clinical testing. Allele origin: germline.
Comment: In summary, the currently available evidence indicates that the variant is pathogenic, but additional data are needed to prove that conclusively. Therefore, this variant has been classified as Likely Pathogenic. Donor and acceptor splice site variants typically lead to a loss of protein function (PMID: 16199547), and loss-of-function variants in FANCC are known to be pathogenic (PMID: 17924555). Algorithms developed to predict the effect of sequence changes on RNA splicing suggest that this variant may disrupt the consensus splice site, but this prediction has not been confirmed by published transcriptional studies. This variant has not been reported in the literature in individuals with FANCC-related conditions. This variant is not present in population databases (ExAC no frequency). This sequence change affects a donor splice site in intron 10 of the FANCC gene. It is expected to disrupt RNA splicing and likely results in an absent or disrupted protein product.

Literature cited by the submitters: PubMed 16199547; PubMed 17924555.

NM_000136.3(FANCC):c.996+1G>C

Genes: AOPEP (aminopeptidase O (putative); plus strand), FANCC (FA complementation group C; minus strand). Cytogenetic location: 9q22.32.
Variant type: single nucleotide variant.
Coding change: c.996+1G>C on transcript NM_000136.3 (MANE Select); the canonical splice donor site of the intron after coding-DNA position 996, G replaced by C.
Molecular consequence: splice donor variant.
Genome position (GRCh38, 1-based): chr9:95,125,085, C>G on the plus strand (G>C on the coding strand, the complement: FANCC is on the minus strand). VCF-style: chr9-95125085-C-G. GRCh37 (hg19) VCF-style: chr9-97887367-C-G.
Other names: c.996+1G>C (NM_001243743.2, NM_001243744.2).
Identifiers: ClinVar variation 1067315 (VCV001067315.8), dbSNP rs370510954, ClinGen allele CA374108717.